The following is an entry in ClinVar:

ClinVar aggregate classification (germline): Pathogenic. Review status: reviewed by expert panel (3 of 4 stars). 2 submissions from 2 submitters: Pathogenic (1). 1 of the submissions does not count toward it. Last evaluated 2016-10-18.

Conditions:
Breast-ovarian cancer, familial, susceptibility to, 1 (BROVCA1). Also called: BRCA1 Hereditary Breast and Ovarian Cancer; OVARIAN CANCER, SUSCEPTIBILITY TO. Identifiers: Orphanet 145, MedGen C2676676, MONDO:0011450, OMIM 604370. Disease mechanism: loss of function.

Submissions (2):

Evidence-based Network for the Interpretation of Germline Mutant Alleles (ENIGMA)
Classification: Pathogenic for Breast-ovarian cancer, familial, susceptibility to, 1. Last evaluated: 2016-10-18. Review status: reviewed by expert panel. Criteria: ENIGMA BRCA1/2 Classification Criteria (2015). Collection method: curation. Allele origin: germline.
Comment: Variant allele predicted to encode a truncated non-functional protein.

Consortium of Investigators of Modifiers of BRCA1/2 (CIMBA), c/o University of Cambridge
Classification: Pathogenic for Breast-ovarian cancer, familial, susceptibility to, 1. Last evaluated: 2015-10-02. Review status: criteria provided, single submitter. Criteria: CIMBA Mutation Classification guidelines May 2016. Collection method: clinical testing. Allele origin: germline. Not counted in ClinVar's aggregate classification.

NM_007294.4(BRCA1):c.179dup (p.Cys61fs)

Gene: BRCA1 (BRCA1 DNA repair associated; minus strand). Cytogenetic location: 17q21.31.
Variant type: Duplication.
Coding change: c.179dup on transcript NM_007294.4 (MANE Select); coding-DNA position 179, one base duplicated (A; older notation c.179dupA).
Protein change: p.Cys61fs; shifts the reading frame from cysteine 61.
Molecular consequence: frameshift variant. On other transcripts: non-coding transcript variant (1).
Genome position (GRCh38, 1-based): chr17:43,106,489, T duplicated on the plus strand (A on the coding strand, the reverse complement: BRCA1 is on the minus strand). VCF-style (leftmost placement, unchanged base first): chr17-43106488-C-CT. GRCh37 (hg19) VCF-style: chr17-41258505-C-CT.
Other names: 297insA; c.179dup, p.Cys61Valfs (NM_001407590.1, NM_001407591.1, NM_001407593.1 and 166 more transcripts); c.38dup, p.Cys14Valfs (NM_001407692.1, NM_001407694.1, NM_001407695.1 and 98 more transcripts); c.-10dup (NM_001407853.1, NM_001407879.1, NM_001407881.1 and 58 more transcripts); c.38dup, p.Cys14fs (NM_007297.4); c.179dup, p.Cys61fs (NM_007299.4, NM_007300.4); short protein forms C61fs, C14fs.
Identifiers: ClinVar variation 266189 (VCV000266189.6), dbSNP rs886039969, ClinGen allele CA10590033.